The following is an entry in ClinVar:

ClinVar aggregate classification (germline): Uncertain significance (1 of 4 stars; one submission).

Allele frequency attached by ClinVar (database versions not stated): ExAC 0.00001.
gnomAD v4.1: 3 of 1,614,230 alleles (0.00019%); highest among the groups gnomAD compares: Admixed American, 0.0033%; no homozygotes.

Submission:

Labcorp Genetics (formerly Invitae), Labcorp
Classification: Uncertain significance. Last evaluated: 2025-12-15. Review status: criteria provided, single submitter. Criteria: Invitae Variant Classification Sherloc (09022015). Collection method: clinical testing. Allele origin: germline.
Comment: This sequence change replaces serine, which is neutral and polar, with asparagine, which is neutral and polar, at codon 271 of the KRT83 protein (p.Ser271Asn). This variant is present in population databases (rs752394771, gnomAD 0.003%). This variant has not been reported in the literature in individuals affected with KRT83-related conditions. ClinVar contains an entry for this variant (Variation ID: 3018240). Invitae Evidence Modeling of protein sequence and biophysical properties (such as structural, functional, and spatial information, amino acid conservation, physicochemical variation, residue mobility, and thermodynamic stability) indicates that this missense variant is not expected to disrupt KRT83 protein function with a negative predictive value of 80%. In summary, the available evidence is currently insufficient to determine the role of this variant in disease. Therefore, it has been classified as a Variant of Uncertain Significance.

NM_002282.3(KRT83):c.812G>A (p.Ser271Asn)

Gene: KRT83 (keratin 83; minus strand). Cytogenetic location: 12q13.13.
Variant type: single nucleotide variant.
Coding change: c.812G>A on transcript NM_002282.3 (MANE Select); coding-DNA position 812, G replaced by A.
Protein change: p.Ser271Asn; replaces serine 271 with asparagine.
Molecular consequence: missense variant.
Genome position (GRCh38, 1-based): chr12:52,316,962, C>T on the plus strand (G>A on the coding strand, the complement: KRT83 is on the minus strand). VCF-style: chr12-52316962-C-T. GRCh37 (hg19) VCF-style: chr12-52710746-C-T.
Other names: short protein forms S271N.
Identifiers: ClinVar variation 3018240 (VCV003018240.3), dbSNP rs752394771, ClinGen allele CA6577513.